The following is an entry in ClinVar:

NM_001252102.2(KIF21B):c.1282C>T (p.Gln428Ter)

Gene: KIF21B (kinesin family member 21B; minus strand). Cytogenetic location: 1q32.1.
Variant type: single nucleotide variant.
Coding change: c.1282C>T on transcript NM_001252102.2 (MANE Select); coding-DNA position 1282, C replaced by T.
Protein change: p.Gln428Ter; replaces glutamine 428 with a stop codon.
Molecular consequence: nonsense.
Genome position (GRCh38, 1-based): chr1:201,002,281, G>A on the plus strand (C>T on the coding strand, the complement: KIF21B is on the minus strand). VCF-style: chr1-201002281-G-A. GRCh37 (hg19) VCF-style: chr1-200971409-G-A.
Other names: c.1282C>T, p.Gln428Ter (NM_001252100.2, NM_001252103.2, NM_017596.4); short protein forms Q428*.
Identifiers: ClinVar variation 4976084 (VCV004976084.1).

ClinVar aggregate classification (germline): Uncertain significance (1 of 4 stars; one submission).

Submission:

GeneDx
Classification: Uncertain significance. Last evaluated: 2026-02-03. Review status: criteria provided, single submitter. Criteria: GeneDx Variant Classification Process June 2021. Collection method: clinical testing. Allele origin: germline.
Comment: Not observed at significant frequency in large population cohorts (gnomAD); Nonsense variant predicted to result in protein truncation or nonsense mediated decay in a gene or region of a gene for which loss of function is not a well-established mechanism of disease; Has not been previously published as pathogenic or benign to our knowledge